The following is an entry in ClinVar:

ClinVar aggregate classification (germline): Uncertain significance. Review status: criteria provided, multiple submitters, no conflicts (2 of 4 stars). 2 submissions from 2 submitters: Uncertain significance (2). Last evaluated 2021-11-27.

Submissions (2):

Labcorp Genetics (formerly Invitae), Labcorp
Classification: Uncertain significance. Last evaluated: 2021-11-27. Review status: criteria provided, single submitter. Criteria: Invitae Variant Classification Sherloc (09022015). Collection method: clinical testing. Allele origin: germline.
Comment: This variant has not been reported in the literature in individuals affected with LRP5-related conditions. In summary, the available evidence is currently insufficient to determine the role of this variant in disease. Therefore, it has been classified as a Variant of Uncertain Significance. Advanced modeling of protein sequence and biophysical properties (such as structural, functional, and spatial information, amino acid conservation, physicochemical variation, residue mobility, and thermodynamic stability) performed at Invitae indicates that this missense variant is expected to disrupt LRP5 protein function. This variant is not present in population databases (gnomAD no frequency). This sequence change replaces phenylalanine, which is neutral and non-polar, with isoleucine, which is neutral and non-polar, at codon 646 of the LRP5 protein (p.Phe646Ile).

Blueprint Genetics
Classification: Uncertain significance. Last evaluated: 2019-02-04. Review status: criteria provided, single submitter. Criteria: ACMG Guidelines, 2015. Collection method: clinical testing. Allele origin: germline.

NM_002335.4(LRP5):c.1936T>A (p.Phe646Ile)

Gene: LRP5 (LDL receptor related protein 5; plus strand). Cytogenetic location: 11q13.2.
Variant type: single nucleotide variant.
Coding change: c.1936T>A on transcript NM_002335.4 (MANE Select); coding-DNA position 1936, T replaced by A.
Protein change: p.Phe646Ile; replaces phenylalanine 646 with isoleucine.
Molecular consequence: missense variant.
Genome position (GRCh38, 1-based): chr11:68,406,658, T>A. VCF-style: chr11-68406658-T-A. GRCh37 (hg19) VCF-style: chr11-68174126-T-A.
Other names: c.193T>A, p.Phe65Ile (NM_001291902.2); short protein forms F65I, F646I.
Identifiers: ClinVar variation 1395400 (VCV001395400.7), dbSNP rs2153164661, ClinGen allele CA381615602.
Genomic context (GRCh38, chr11:68,406,658, plus strand): 5'-GGCTGCCCCATCGGCCTGGAGCTGCTGAGTGACATGAAGACCTGCATCGTGCCTGAGGCC[T>A]TCTTGGTCTTCACCAGCAGAGCCGCCATCCACAGGATCTCCCTCGAGACCAATAACAACG-3'
Protein context (NP_002326.2, residues 636-656): DMKTCIVPEA[Phe646Ile]LVFTSRAAIH